The following is an entry in ClinVar:

ClinVar aggregate classification (germline): Pathogenic/Likely pathogenic. Review status: criteria provided, multiple submitters, no conflicts (2 of 4 stars). 14 submissions from 14 submitters: Pathogenic (11); Likely pathogenic (2). 1 of the submissions does not count toward it. Last evaluated 2026-07-14.

Conditions:
Cardiovascular phenotype. Identifiers: MedGen CN230736.
Hereditary cancer-predisposing syndrome. Also called: Hereditary neoplastic syndrome; Neoplastic Syndromes, Hereditary; Hereditary Cancer Syndrome; Tumor predisposition. Identifiers: Orphanet 140162, MedGen C0027672, MeSH D009386, MONDO:0015356.
NF1-related disorder. Also called: NF1-related condition. Identifiers: MedGen CN379171.
Neurofibromatosis, type 1 (NF1). Also called: VON RECKLINGHAUSEN DISEASE; Peripheral type neurofibromatosis; Neurofibromatosis, type I; NEUROFIBROMATOSIS, TYPE I, SOMATIC. Identifiers: Orphanet 636, MedGen C0027831, MONDO:0018975, OMIM 162200. Disease mechanism: loss of function.

Allele frequency attached by ClinVar (database versions not stated): gnomAD 0.00001.
gnomAD v4.1: 1 of 1,613,938 alleles (0.000062%); no homozygotes.

Submissions 1 to 11 of 14:

Myriad Genetics, Inc.
Classification: Pathogenic for Neurofibromatosis, type 1. Last evaluated: 2026-07-14. Review status: criteria provided, single submitter. Criteria: Myriad Autosomal Dominant, Autosomal Recessive and X-Linked Classification Criteria (2023). Collection method: clinical testing. Allele origin: unknown.
Comment: This variant is considered pathogenic. This variant is expected to disrupt protein structure [PMID: 9545275; Myriad internal data]. This variant has been reported in multiple individuals with clinical features of gene-specific disease [PMID: 40169570, 40759488, 15060124, 31595648].

Labcorp Genetics (formerly Invitae), Labcorp
Classification: Pathogenic for Neurofibromatosis, type 1. Last evaluated: 2025-11-29. Review status: criteria provided, single submitter. Criteria: Invitae Variant Classification Sherloc (09022015). Collection method: clinical testing. Allele origin: germline.
Comment: This sequence change replaces arginine, which is basic and polar, with glycine, which is neutral and non-polar, at codon 1276 of the NF1 protein (p.Arg1276Gly). This variant is not present in population databases (gnomAD no frequency). This missense change has been observed in individual(s) with neurofibromatosis 1 (NF1) (PMID: 15060124, 31595648). In at least one individual the variant was observed to be de novo. Invitae Evidence Modeling of clinical and family history, age, sex, and reported ancestry of multiple individuals with this NF1 variant has been performed. This variant is expected to be pathogenic with a positive predictive value of at least 99%. This is a validated machine learning model that incorporates the clinical features of 1,785,918 individuals referred to our laboratory for NF1 testing. ClinVar contains an entry for this variant (Variation ID: 68340). Invitae Evidence Modeling of protein sequence and biophysical properties (such as structural, functional, and spatial information, amino acid conservation, physicochemical variation, residue mobility, and thermodynamic stability) indicates that this missense variant is expected to disrupt NF1 protein function with a positive predictive value of 95%. Experimental studies have shown that this missense change affects NF1 function (PMID: 8628317). This variant disrupts the p.Arg1276 amino acid residue in NF1. Other variant(s) that disrupt this residue have been determined to be pathogenic (PMID: 9302992, 10712197, 15060124, 16479075, 19221814, 22807134, 23668869, 27322474). This suggests that this residue is clinically significant, and that variants that disrupt this residue are likely to be disease-causing. For these reasons, this variant has been classified as Pathogenic.

Ambry Genetics
Classification: Pathogenic for Cardiovascular phenotype; Hereditary cancer-predisposing syndrome. Last evaluated: 2025-02-28. Review status: criteria provided, single submitter. Criteria: Ambry Variant Classification Scheme 2023. Collection method: clinical testing. Allele origin: germline.
Comment: The p.R1276G pathogenic mutation (also known as c.3826C>G), located in coding exon 28 of the NF1 gene, results from a C to G substitution at nucleotide position 3826. The arginine at codon 1276 is replaced by glycine, an amino acid with dissimilar properties. This alteration has been reported in multiple individuals fulfilling diagnostic criteria for neurofibromatosis type 1 (NF1) (Koczkowska M et al. Hum Mutat, 2020 01;41:299-315; Castellanos E et al. Clin Genet, 2020 02;97:264-275). Another alteration at the same codon, p.R1276Q (c.3827G>A), has been detected in multiple indiviudals fulfilling diagnostic criteria for NF1 (Mattocks C et al. J. Med. Genet. 2004 Apr;41:e48; Wimmer K et al. Hum. Mutat. 2007 Jun;28:599-612; Ko JM et al. Pediatr. Neurol. 2013 Jun;48:447-53; Evans DG et al. EBioMedicine 2016 May;7:212-20) and has been shown to impair protein function (Wallis D et al. Hum. Mutat., 2018 06;39:816-821). This alteration disrupts a crucial motif that enables NF1 to activate GTP hydrolysis in Ras proteins (Ambry internal data). This variant was not reported in population-based cohorts in the Genome Aggregation Database (gnomAD). This amino acid position is highly conserved in available vertebrate species. In addition, this alteration is predicted to be deleterious by in silico analysis. Based on the supporting evidence, this alteration is interpreted as a disease-causing mutation.

Greenwood Genetic Center Diagnostic Laboratories, Greenwood Genetic Center
Classification: Pathogenic for Neurofibromatosis, type 1. Last evaluated: 2025-01-30. Review status: criteria provided, single submitter. Criteria: ACMG Guidelines, 2015. Collection method: clinical testing. Allele origin: germline. Affected: yes.
Comment: PS1, PS3, PM1, PM2, PM5, PP2

CeGaT Center for Human Genetics Tuebingen
Classification: Pathogenic. Last evaluated: 2024-06-01. Review status: criteria provided, single submitter. Criteria: CeGaT Center For Human Genetics Tuebingen Variant Classification Criteria Version 2. Collection method: clinical testing. Allele origin: germline. Affected: yes. Observed: 1 variant allele.
Comment: NF1: PM1, PM2, PM5, PS4:Moderate, PP3, PS3:Supporting

Blueprint Genetics
Classification: Pathogenic for NF1-related disorders. Last evaluated: 2023-11-29. Review status: criteria provided, single submitter. Criteria: ACMG Guidelines, 2015. Collection method: clinical testing. Allele origin: germline. Affected: yes. Observed: 1 variant allele.

PreventionGenetics, part of Exact Sciences
Classification: Pathogenic for NF1-related condition. Last evaluated: 2023-06-22. Review status: criteria provided, single submitter. Criteria: ACMG Guidelines, 2015. Collection method: clinical testing. Allele origin: germline.
Comment: The NF1 c.3826C>G variant is predicted to result in the amino acid substitution p.Arg1276Gly. This variant has been reported in multiple individuals with neurofibromatosis type 1 (Mattocks et al. 2004. PubMed ID: 15060124; Koczkowska et al. 2019. PubMed ID: 31595648). Functional studies found this variant leads to increased affinity for HRAS (Morcos et al. 1996. PubMed ID: 8628317) and a reduction in Ras GAP activity (Douben et al. 2023. Human Mutation. vol. 2023. Article ID 9628049). Studies show that Arg1276 is a critical residue for catalyzing the hydrolysis of active Ras-GTP to inactive Ras-GDP (Ahmadian et al. 1997. PubMed ID: 9302992). Furthermore, alternate missense variants at this position (p.Arg1276Gln, p.Arg1276Pro, p.Arg1276Leu) are also reported as pathogenic (Koczkowska et al. 2019. PubMed ID: 31595648). This variant has not been reported in a large population database and is interpreted as likely pathogenic/pathogenic by multiple labs in ClinVar. This variant is interpreted as pathogenic.

GeneDx
Classification: Pathogenic. Last evaluated: 2022-08-22. Review status: criteria provided, single submitter. Criteria: GeneDx Variant Classification Process June 2021. Collection method: clinical testing. Allele origin: germline. Affected: yes.
Comment: Observed in multiple unrelated patients from different ethnic backgrounds with neurofibromatosis 1 in published literature (Mattocks et al., 2004; Koczkowska et al., 2020) and not observed in controls; Individuals with Arg1276 residue variants are reported as more likely to display Noonan-like features (Koczkowska et al., 2020); Not observed at significant frequency in large population cohorts (gnomAD); In silico analysis supports that this missense variant has a deleterious effect on protein structure/function; Published functional studies demonstrate an increased binding affinity for H-ras, the significance of which is uncertain (Morcos et al., 1996); This variant is associated with the following publications: (PMID: 15863657, 15060124, 24803665, 9687500, 25486365, 22807134, 8628317, 32573669, 31595648)

Genome-Nilou Lab
Classification: Likely pathogenic for Neurofibromatosis, type 1. Last evaluated: 2022-03-15. Review status: criteria provided, single submitter. Criteria: ACMG Guidelines, 2015. Collection method: clinical testing. Allele origin: germline. Affected: no.

Women's Health and Genetics/Laboratory Corporation of America, LabCorp
Classification: Pathogenic for Neurofibromatosis, type 1. Last evaluated: 2020-12-04. Review status: criteria provided, single submitter. Criteria: LabCorp Variant Classification Summary - May 2015. Collection method: clinical testing. Allele origin: germline.
Comment: Variant summary: NF1 c.3826C>G (p.Arg1276Gly) results in a non-conservative amino acid change located in the Ras GTPase-activating domain (IPR001936) of the encoded protein sequence. Five of five in-silico tools predict a damaging effect of the variant on protein function. The variant was absent in 251202 control chromosomes (gnomAD). c.3826C>G has been reported in the literature in multiple individuals affected with Neurofibromatosis Type 1 (e.g. Mattocks_2004, Koczkowska_2020, Lunke_2020). These data indicate that the variant is very likely to be associated with disease. Experimental evidence evaluating an impact on protein function demonstrated the variant exhibits dramatically increased affinity for wild-type H-ras protein compared with the wild-type NF1-GRD (Morcos_1996) however, the clinical significance of this finding is unknown. Four ClinVar submitters (evaluation after 2014) cite the variant as pathogenic/likely pathogenic. Based on the evidence outlined above, the variant was classified as pathogenic.

UAB Medical Genomics Laboratory, UAB Medicine
Classification: Pathogenic for Neurofibromatosis, type 1. Last evaluated: 2019-06-05. Review status: criteria provided, single submitter. Criteria: ACMG Guidelines, 2015. Collection method: clinical testing. Allele origin: de novo. Affected: yes.

NM_001042492.3(NF1):c.3826C>G (p.Arg1276Gly)

Gene: NF1 (neurofibromin 1; plus strand). Cytogenetic location: 17q11.2.
Variant type: single nucleotide variant.
Coding change: c.3826C>G on transcript NM_001042492.3 (MANE Select); coding-DNA position 3826, C replaced by G.
Protein change: p.Arg1276Gly; replaces arginine 1276 with glycine.
Molecular consequence: missense variant.
Genome position (GRCh38, 1-based): chr17:31,235,728, C>G. VCF-style: chr17-31235728-C-G. GRCh37 (hg19) VCF-style: chr17-29562746-C-G.
Other names: c.3826C>G, p.Arg1276Gly (NM_000267.4); short protein forms R1276G.
Identifiers: ClinVar variation 68340 (VCV000068340.42), dbSNP rs199474742, ClinGen allele CA219542.